The following is an entry in ClinVar:

NM_000043.6(FAS):c.569-5T>G

Gene: FAS (Fas cell surface death receptor; plus strand). Cytogenetic location: 10q23.31.
Variant type: single nucleotide variant.
Coding change: c.569-5T>G on transcript NM_000043.6 (MANE Select); 5 bases into the intron before coding-DNA position 569, T replaced by G.
Molecular consequence: intron variant.
Genome position (GRCh38, 1-based): chr10:89,011,994, T>G. VCF-style: chr10-89011994-T-G. GRCh37 (hg19) VCF-style: chr10-90771751-T-G.
Other names: c.569-5T>G (NM_152872.4); c.568+1179T>G (NM_001320619.2); c.506-5T>G (NM_152871.4); c.614-5T>G (NM_001410956.1).
Identifiers: ClinVar variation 4709756 (VCV004709756.1).

ClinVar aggregate classification (germline): Likely pathogenic (1 of 4 stars; one submission).

Conditions:
Autoimmune lymphoproliferative syndrome type 1. Also called: AUTOIMMUNE LYMPHOPROLIFERATIVE SYNDROME, TYPE I, AUTOSOMAL DOMINANT. Identifiers: Orphanet 3261, MedGen C2717884, MONDO:0011158, OMIM 601859.

gnomAD v4.1: 1 of 1,613,470 alleles (0.000062%); highest among the groups gnomAD compares: Admixed American, 0.0017%; no homozygotes.

Submission:

Labcorp Genetics (formerly Invitae), Labcorp
Classification: Likely pathogenic for Autoimmune lymphoproliferative syndrome. Last evaluated: 2025-07-22. Review status: criteria provided, single submitter. Criteria: Invitae Variant Classification Sherloc (09022015). Collection method: clinical testing. Allele origin: germline.
Comment: This sequence change falls in intron 6 of the FAS gene. It does not directly change the encoded amino acid sequence of the FAS protein. This variant is not present in population databases (gnomAD no frequency). This variant has been observed in individual(s) with autosomal dominant autoimmune lymphoproliferative syndrome (PMID: 22237435; internal data). Algorithms developed to predict the effect of sequence changes on RNA splicing suggest that this variant may disrupt the consensus splice site. In summary, the currently available evidence indicates that the variant is pathogenic, but additional data are needed to prove that conclusively. Therefore, this variant has been classified as Likely Pathogenic.

Literature cited by the submitters: PubMed 22237435.